The following is an entry in ClinVar:

ClinVar aggregate classification (germline): Uncertain significance (1 of 4 stars; one submission).

Submission:

Labcorp Genetics (formerly Invitae), Labcorp
Classification: Uncertain significance. Last evaluated: 2022-07-12. Review status: criteria provided, single submitter. Criteria: Invitae Variant Classification Sherloc (09022015). Collection method: clinical testing. Allele origin: germline.
Comment: In summary, the available evidence is currently insufficient to determine the role of this variant in disease. Therefore, it has been classified as a Variant of Uncertain Significance. Algorithms developed to predict the effect of missense changes on protein structure and function output the following: SIFT: "Tolerated"; PolyPhen-2: "Benign"; Align-GVGD: "Class C0". The leucine amino acid residue is found in multiple mammalian species, which suggests that this missense change does not adversely affect protein function. This variant has not been reported in the literature in individuals affected with PLAA-related conditions. This variant is not present in population databases (gnomAD no frequency). This sequence change replaces phenylalanine, which is neutral and non-polar, with leucine, which is neutral and non-polar, at codon 663 of the PLAA protein (p.Phe663Leu).

NM_001031689.3(PLAA):c.1989T>A (p.Phe663Leu)

Gene: PLAA (phospholipase A2 activating protein; minus strand). Cytogenetic location: 9p21.2.
Variant type: single nucleotide variant.
Coding change: c.1989T>A on transcript NM_001031689.3 (MANE Select); coding-DNA position 1989, T replaced by A.
Protein change: p.Phe663Leu; replaces phenylalanine 663 with leucine.
Molecular consequence: missense variant.
Genome position (GRCh38, 1-based): chr9:26,905,910, A>T on the plus strand (T>A on the coding strand, the complement: PLAA is on the minus strand). VCF-style: chr9-26905910-A-T. GRCh37 (hg19) VCF-style: chr9-26905908-A-T.
Other names: c.1920T>A, p.Phe640Leu (NM_001321546.2); short protein forms F640L, F663L.
Identifiers: ClinVar variation 1973223 (VCV001973223.5), dbSNP rs368816211, ClinGen allele CA373126904.